The following is an entry in ClinVar:

ClinVar aggregate classification (germline): Uncertain significance (1 of 4 stars; one submission).

gnomAD v4.1: 41 of 1,613,918 alleles (0.0025%); highest among the groups gnomAD compares: East Asian, 0.0067%; no homozygotes.

Submission:

GeneDx
Classification: Uncertain significance. Last evaluated: 2024-05-01. Review status: criteria provided, single submitter. Criteria: GeneDx Variant Classification Process June 2021. Collection method: clinical testing. Allele origin: germline. Affected: yes.
Comment: Not observed at significant frequency in large population cohorts (gnomAD); In silico analysis supports a deleterious effect on splicing; Has not been previously published as pathogenic or benign to our knowledge

NM_078470.6(COX15):c.1217G>A (p.Arg406Gln)

Gene: COX15 (cytochrome c oxidase assembly homolog COX15; minus strand). Cytogenetic location: 10q24.2.
Variant type: single nucleotide variant.
Coding change: c.1217G>A on transcript NM_078470.6 (MANE Select); coding-DNA position 1217, G replaced by A.
Protein change: p.Arg406Gln; replaces arginine 406 with glutamine.
Molecular consequence: missense variant. On other transcripts: 3 prime UTR variant (2), non-coding transcript variant (1), intron variant (4).
Genome position (GRCh38, 1-based): chr10:99,714,603, C>T on the plus strand (G>A on the coding strand, the complement: COX15 is on the minus strand). VCF-style: chr10-99714603-C-T. GRCh37 (hg19) VCF-style: chr10-101474360-C-T.
Other names: c.*165G>A (NM_001320975.2); c.680G>A, p.Arg227Gln (NM_001320976.2); c.1235G>A, p.Arg412Gln (NM_001372025.1); c.1190G>A, p.Arg397Gln (NM_001372026.1); c.*88G>A (NM_001372027.1); c.1101+1745G>A (NM_001320974.2); c.*50-639G>A (NM_001372028.1); c.1102-1124G>A (NM_004376.7); and 1 more; short protein forms R227Q, R397Q, R406Q, R412Q.
Identifiers: ClinVar variation 3371366 (VCV003371366.1).